The following is an entry in ClinVar:

NM_173842.3(IL1RN):c.380G>A (p.Arg127His)

Gene: IL1RN (interleukin 1 receptor antagonist; plus strand). Cytogenetic location: 2q14.1.
Variant type: single nucleotide variant.
Coding change: c.380G>A on transcript NM_173842.3 (MANE Select); coding-DNA position 380, G replaced by A.
Protein change: p.Arg127His; replaces arginine 127 with histidine.
Molecular consequence: missense variant.
Genome position (GRCh38, 1-based): chr2:113,132,717, G>A. VCF-style: chr2-113132717-G-A. GRCh37 (hg19) VCF-style: chr2-113890294-G-A.
Other names: c.326G>A, p.Arg109His (NM_000577.5); c.278G>A, p.Arg93His (NM_001318914.2, NM_001379360.1, NM_173843.3); c.389G>A, p.Arg130His (NM_173841.3); short protein forms R130H, R127H, R109H, R93H.
Identifiers: ClinVar variation 2061900 (VCV002061900.2), dbSNP rs780956028, ClinGen allele CA1838888.

ClinVar aggregate classification (germline): Uncertain significance (1 of 4 stars; one submission).

Conditions:
Sterile multifocal osteomyelitis with periostitis and pustulosis. Also called: CHRONIC RECURRENT MULTIFOCAL OSTEOMYELITIS 2, WITH PERIOSTITIS AND PUSTULOSIS. Identifiers: Orphanet 210115, MedGen C2748507, MONDO:0013021, OMIM 612852.

Allele frequency attached by ClinVar (database versions not stated): ExAC 0.00002.
gnomAD v4.1: 54 of 1,614,096 alleles (0.0033%); highest among the groups gnomAD compares: Admixed American, 0.013%; no homozygotes.

Submission:

Labcorp Genetics (formerly Invitae), Labcorp
Classification: Uncertain significance for Sterile multifocal osteomyelitis with periostitis and pustulosis. Last evaluated: 2025-12-08. Review status: criteria provided, single submitter. Criteria: Invitae Variant Classification Sherloc (09022015). Collection method: clinical testing. Allele origin: germline.
Comment: This sequence change replaces arginine, which is basic and polar, with histidine, which is basic and polar, at codon 130 of the IL1RN protein (p.Arg130His). This variant is present in population databases (rs780956028, gnomAD 0.01%). This variant has not been reported in the literature in individuals affected with IL1RN-related conditions. ClinVar contains an entry for this variant (Variation ID: 2061900). An algorithm developed to predict the effect of missense changes on protein structure and function outputs the following: PolyPhen-2: "Possibly Damaging". The histidine amino acid residue is found in multiple mammalian species, which suggests that this missense change does not adversely affect protein function. In summary, the available evidence is currently insufficient to determine the role of this variant in disease. Therefore, it has been classified as a Variant of Uncertain Significance.